The following is an entry in ClinVar:

NM_020778.5(ALPK3):c.1928C>T (p.Ala643Val)

Gene: ALPK3 (alpha kinase 3; plus strand). Cytogenetic location: 15q25.3.
Variant type: single nucleotide variant.
Coding change: c.1928C>T on transcript NM_020778.5 (MANE Select); coding-DNA position 1928, C replaced by T.
Protein change: p.Ala643Val; replaces alanine 643 with valine.
Molecular consequence: missense variant.
Genome position (GRCh38, 1-based): chr15:84,856,666, C>T. VCF-style: chr15-84856666-C-T. GRCh37 (hg19) VCF-style: chr15-85399897-C-T.
Other names: short protein forms A643V.
Identifiers: ClinVar variation 1792736 (VCV001792736.8), dbSNP rs773203708, ClinGen allele CA7709317.

ClinVar aggregate classification (germline): Conflicting classifications of pathogenicity. Review status: criteria provided, conflicting classifications (1 of 4 stars). 3 submissions from 3 submitters: Uncertain significance (2); Likely benign (1). Last evaluated 2023-02-28.

Conditions:
Cardiovascular phenotype. Identifiers: MedGen CN230736.

Allele frequency attached by ClinVar (database versions not stated): TOPMed below 0.00001; ExAC 0.00001; gnomAD 0.00001.
gnomAD v4.1: 11 of 1,613,856 alleles (0.00068%); highest among the groups gnomAD compares: Admixed American, 0.0017%; no homozygotes.

Submissions (3):

Blueprint Genetics
Classification: Likely benign. Last evaluated: 2023-02-28. Review status: criteria provided, single submitter. Criteria: ACMG Guidelines, 2015. Collection method: clinical testing. Allele origin: germline.

Labcorp Genetics (formerly Invitae), Labcorp
Classification: Uncertain significance. Last evaluated: 2022-10-01. Review status: criteria provided, single submitter. Criteria: Invitae Variant Classification Sherloc (09022015). Collection method: clinical testing. Allele origin: germline.
Comment: In summary, the available evidence is currently insufficient to determine the role of this variant in disease. Therefore, it has been classified as a Variant of Uncertain Significance. Algorithms developed to predict the effect of missense changes on protein structure and function output the following: SIFT: "Tolerated"; PolyPhen-2: "Benign"; Align-GVGD: "Class C0". The valine amino acid residue is found in multiple mammalian species, which suggests that this missense change does not adversely affect protein function. This variant has not been reported in the literature in individuals affected with ALPK3-related conditions. This variant is present in population databases (rs773203708, gnomAD 0.006%). This sequence change replaces alanine, which is neutral and non-polar, with valine, which is neutral and non-polar, at codon 845 of the ALPK3 protein (p.Ala845Val).

Ambry Genetics
Classification: Uncertain significance for Cardiovascular phenotype. Last evaluated: 2020-12-14. Review status: criteria provided, single submitter. Criteria: Ambry Variant Classification Scheme 2023. Collection method: clinical testing. Allele origin: germline.
Comment: The p.A845V variant (also known as c.2534C>T), located in coding exon 6 of the ALPK3 gene, results from a C to T substitution at nucleotide position 2534. The alanine at codon 845 is replaced by valine, an amino acid with similar properties. This amino acid position is poorly conserved in available vertebrate species. In addition, this alteration is predicted to be tolerated by in silico analysis. Since supporting evidence is limited at this time, the clinical significance of this alteration remains unclear.